The following is an entry in ClinVar:

ClinVar aggregate classification (germline): Uncertain significance (1 of 4 stars; one submission).

Conditions:
Hereditary cancer-predisposing syndrome. Also called: Hereditary neoplastic syndrome; Neoplastic Syndromes, Hereditary; Tumor predisposition; Hereditary Cancer Syndrome. Identifiers: Orphanet 140162, MedGen C0027672, MeSH D009386, MONDO:0015356.

Submission:

Ambry Genetics
Classification: Uncertain significance for Hereditary cancer-predisposing syndrome. Last evaluated: 2025-01-07. Review status: criteria provided, single submitter. Criteria: Ambry Variant Classification Scheme 2023. Collection method: clinical testing. Allele origin: germline.
Comment: The p.W905* variant (also known as c.2714G>A), located in coding exon 23 of the EGFR gene, results from a G to A substitution at nucleotide position 2714. This changes the amino acid from a tryptophan to a stop codon within coding exon 23. This alteration is expected to result in loss of function by premature protein truncation or nonsense-mediated mRNA decay. Although biallelic loss of function of EGFR has been associated with EGFR-related neonatal inflammatory skin and bowel disease, haploinsufficiency of EGFR has not been established as a mechanism of disease for EGFR-related lung cancer. Based on the supporting evidence, this variant is expected to be causative of EGFR-related neonatal inflammatory skin and bowel disease when present along with a second pathogenic variant on the other allele; however, its clinical significance for EGFR-related lung cancer is unclear. Based on the supporting evidence, this alteration is likely pathogenic for EGFR-related neonatal inflammatory skin and bowel disease; however, the association of this alteration with EGFR-related lung cancer is unknown.

NM_005228.5(EGFR):c.2714G>A (p.Trp905Ter)

Gene: EGFR (epidermal growth factor receptor; plus strand). Cytogenetic location: 7p11.2.
Variant type: single nucleotide variant.
Coding change: c.2714G>A on transcript NM_005228.5 (MANE Select); coding-DNA position 2714, G replaced by A.
Protein change: p.Trp905Ter; replaces tryptophan 905 with a stop codon.
Molecular consequence: nonsense.
Genome position (GRCh38, 1-based): chr7:55,198,729, G>A. VCF-style: chr7-55198729-G-A. GRCh37 (hg19) VCF-style: chr7-55266422-G-A.
Other names: c.2579G>A, p.Trp860Ter (NM_001346897.2, NM_001346899.2); c.2714G>A, p.Trp905Ter (NM_001346898.2); c.2555G>A, p.Trp852Ter (NM_001346900.2); c.1913G>A, p.Trp638Ter (NM_001346941.2); short protein forms W860*, W905*, W638*, W852*.
Identifiers: ClinVar variation 3843795 (VCV003843795.1).
Genomic context (GRCh38, chr7:55,198,729, plus strand): 5'-TGTTCATTCATGATCCCACTGCCTTCTTTTCTTGCTTCATCCTCTCAGGGGTGACTGTTT[G>A]GGAGTTGATGACCTTTGGATCCAAGCCATATGACGGAATCCCTGCCAGCGAGATCTCCTC-3'